The following is an entry in ClinVar:

NM_000193.4(SHH):c.1282G>A (p.Ala428Thr)

Gene: SHH (sonic hedgehog signaling molecule; minus strand). Cytogenetic location: 7q36.3.
Variant type: single nucleotide variant.
Coding change: c.1282G>A on transcript NM_000193.4 (MANE Select); coding-DNA position 1282, G replaced by A.
Protein change: p.Ala428Thr; replaces alanine 428 with threonine.
Molecular consequence: missense variant. On other transcripts: intron variant (1).
Genome position (GRCh38, 1-based): chr7:155,803,007, C>T on the plus strand (G>A on the coding strand, the complement: SHH is on the minus strand). VCF-style: chr7-155803007-C-T. GRCh37 (hg19) VCF-style: chr7-155595701-C-T.
Other names: c.302-2762G>A (NM_001310462.2); short protein forms A428T.
Identifiers: ClinVar variation 2578080 (VCV002578080.1), dbSNP rs759519347, ClinGen allele CA4586887.
Genomic context (GRCh38, chr7:155,803,007, plus strand): 5'-CCAGGAGCCAGGTGCCTATTTGGTAGAGCAGCTGCGAGTACCAGTGGATGCCCGCGGTGG[C>T]CCCCGCACCCGGAGCGTCGGCAGCACCTGGAGCGGTTAGGGCTACTCTGCCGCCGCCGCC-3'
Protein context (NP_000184.1, residues 418-438): PGAADAPGAG[Ala428Thr]TAGIHWYSQL

ClinVar aggregate classification (germline): Uncertain significance (1 of 4 stars; one submission).

Allele frequency attached by ClinVar (database versions not stated): gnomAD exomes 0.00001.

Submission:

GeneDx
Classification: Uncertain significance. Last evaluated: 2023-03-02. Review status: criteria provided, single submitter. Criteria: GeneDx Variant Classification Process June 2021. Collection method: clinical testing. Allele origin: germline. Affected: yes.
Comment: In silico analysis supports that this missense variant does not alter protein structure/function; Has not been previously published as pathogenic or benign to our knowledge